The following is an entry in ClinVar:

NM_005360.5(MAF):c.427G>C (p.Gly143Arg)

Gene: MAF (MAF bZIP transcription factor; minus strand). Cytogenetic location: 16q23.2.
Variant type: single nucleotide variant.
Coding change: c.427G>C on transcript NM_005360.5 (MANE Select); coding-DNA position 427, G replaced by C.
Protein change: p.Gly143Arg; replaces glycine 143 with arginine.
Molecular consequence: missense variant.
Genome position (GRCh38, 1-based): chr16:79,599,476, C>G on the plus strand (G>C on the coding strand, the complement: MAF is on the minus strand). VCF-style: chr16-79599476-C-G. GRCh37 (hg19) VCF-style: chr16-79633373-C-G.
Other names: c.427G>C, p.Gly143Arg (NM_001031804.3); short protein forms G143R.
Identifiers: ClinVar variation 4823358 (VCV004823358.4).

ClinVar aggregate classification (germline): Uncertain significance (1 of 4 stars; one submission).

gnomAD v4.1: 1 of 1,393,750 alleles (0.000072%); highest among the groups gnomAD compares: Non-Finnish European, 0.000092%; no homozygotes.

Submission:

CeGaT Center for Human Genetics Tuebingen
Classification: Uncertain significance. Last evaluated: 2026-02-01. Review status: criteria provided, single submitter. Criteria: CeGaT Center For Human Genetics Tuebingen Variant Classification Criteria Version 2. Collection method: clinical testing. Allele origin: germline. Affected: yes. Observed: 1 variant allele.
Comment: MAF: PP3